The following is an entry in ClinVar:

NM_004304.5(ALK):c.1219A>T (p.Ile407Phe)

Gene: ALK (ALK receptor tyrosine kinase; minus strand). Cytogenetic location: 2p23.2.
Variant type: single nucleotide variant.
Coding change: c.1219A>T on transcript NM_004304.5 (MANE Select); coding-DNA position 1219, A replaced by T.
Protein change: p.Ile407Phe; replaces isoleucine 407 with phenylalanine.
Molecular consequence: missense variant.
Genome position (GRCh38, 1-based): chr2:29,383,795, T>A on the plus strand (A>T on the coding strand, the complement: ALK is on the minus strand). VCF-style: chr2-29383795-T-A. GRCh37 (hg19) VCF-style: chr2-29606661-T-A.
Other names: short protein forms I407F.
Identifiers: ClinVar variation 1719142 (VCV001719142.5), dbSNP rs765139446, ClinGen allele CA346585269.

ClinVar aggregate classification (germline): Uncertain significance (1 of 4 stars; one submission).

Conditions:
Neuroblastoma, susceptibility to, 3. Also called: ALK-Related Neuroblastic Tumor Susceptibility. Identifiers: Orphanet 635, MedGen C2751681, MONDO:0013083, OMIM 613014.

gnomAD v4.1: 1 of 1,614,160 alleles (0.000062%); highest among the groups gnomAD compares: Non-Finnish European, 0.000085%; no homozygotes.

Submission:

Labcorp Genetics (formerly Invitae), Labcorp
Classification: Uncertain significance for Neuroblastoma, susceptibility to, 3. Last evaluated: 2022-09-09. Review status: criteria provided, single submitter. Criteria: Invitae Variant Classification Sherloc (09022015). Collection method: clinical testing. Allele origin: germline.
Comment: In summary, the available evidence is currently insufficient to determine the role of this variant in disease. Therefore, it has been classified as a Variant of Uncertain Significance. Algorithms developed to predict the effect of missense changes on protein structure and function are either unavailable or do not agree on the potential impact of this missense change (SIFT: "Deleterious"; PolyPhen-2: "Benign"; Align-GVGD: "Class C0"). This variant has not been reported in the literature in individuals affected with ALK-related conditions. This variant is not present in population databases (gnomAD no frequency). This sequence change replaces isoleucine, which is neutral and non-polar, with phenylalanine, which is neutral and non-polar, at codon 407 of the ALK protein (p.Ile407Phe).